The following is an entry in ClinVar:

NM_015274.3(MAN2B2):c.160G>C (p.Ala54Pro)

Gene: MAN2B2 (mannosidase alpha class 2B member 2; plus strand). Cytogenetic location: 4p16.1.
Variant type: single nucleotide variant.
Coding change: c.160G>C on transcript NM_015274.3 (MANE Select); coding-DNA position 160, G replaced by C.
Protein change: p.Ala54Pro; replaces alanine 54 with proline.
Molecular consequence: missense variant.
Genome position (GRCh38, 1-based): chr4:6,576,599, G>C. VCF-style: chr4-6576599-G-C. GRCh37 (hg19) VCF-style: chr4-6578326-G-C.
Other names: c.160G>C, p.Ala54Pro (NM_001292038.2); short protein forms A54P.
Identifiers: ClinVar variation 4533807 (VCV004533807.6).

ClinVar aggregate classification (germline): Likely benign (1 of 4 stars; one submission).

gnomAD v4.1: 766 of 1,613,204 alleles (0.047%); highest among the groups gnomAD compares: Middle Eastern, 0.083%; 9 homozygotes.

Submission:

CeGaT Center for Human Genetics Tuebingen
Classification: Likely benign. Last evaluated: 2025-11-01. Review status: criteria provided, single submitter. Criteria: CeGaT Center For Human Genetics Tuebingen Variant Classification Criteria Version 2. Collection method: clinical testing. Allele origin: germline. Affected: yes. Observed: 1 variant allele.
Comment: MAN2B2: BS2